The following is an entry in ClinVar:

ClinVar aggregate classification (germline): Uncertain significance (1 of 4 stars; one submission).

Conditions:
Werner syndrome (WRN). Identifiers: Orphanet 902, MedGen C0043119, MONDO:0010196, OMIM 277700.

gnomAD v4.1: 2 of 1,613,998 alleles (0.00012%); highest among the groups gnomAD compares: Non-Finnish European, 0.00017%; no homozygotes.

Submission:

Labcorp Genetics (formerly Invitae), Labcorp
Classification: Uncertain significance for Werner syndrome. Last evaluated: 2024-10-08. Review status: criteria provided, single submitter. Criteria: Invitae Variant Classification Sherloc (09022015). Collection method: clinical testing. Allele origin: germline.
Comment: This sequence change replaces isoleucine, which is neutral and non-polar, with asparagine, which is neutral and polar, at codon 768 of the WRN protein (p.Ile768Asn). This variant is not present in population databases (gnomAD no frequency). This variant has not been reported in the literature in individuals affected with WRN-related conditions. ClinVar contains an entry for this variant (Variation ID: 2194150). An algorithm developed to predict the effect of missense changes on protein structure and function (PolyPhen-2) suggests that this variant is likely to be disruptive. In summary, the available evidence is currently insufficient to determine the role of this variant in disease. Therefore, it has been classified as a Variant of Uncertain Significance.

NM_000553.6(WRN):c.2303T>A (p.Ile768Asn)

Gene: WRN (WRN RecQ like helicase; plus strand). Cytogenetic location: 8p12.
Variant type: single nucleotide variant.
Coding change: c.2303T>A on transcript NM_000553.6 (MANE Select); coding-DNA position 2303, T replaced by A.
Protein change: p.Ile768Asn; replaces isoleucine 768 with asparagine.
Molecular consequence: missense variant.
Genome position (GRCh38, 1-based): chr8:31,116,383, T>A. VCF-style: chr8-31116383-T-A. GRCh37 (hg19) VCF-style: chr8-30973899-T-A.
Other names: short protein forms I768N.
Identifiers: ClinVar variation 2194150 (VCV002194150.4), dbSNP rs2535978245, ClinGen allele CA370913437.